The following is an entry in ClinVar:

ClinVar aggregate classification (germline): Uncertain significance (1 of 4 stars; one submission).

Allele frequency attached by ClinVar (database versions not stated): gnomAD exomes below 0.00001; ExAC 0.00001.
gnomAD v4.1: 7 of 1,614,170 alleles (0.00043%); highest among the groups gnomAD compares: East Asian, 0.013%; no homozygotes.

Submission:

Labcorp Genetics (formerly Invitae), Labcorp
Classification: Uncertain significance. Last evaluated: 2021-08-27. Review status: criteria provided, single submitter. Criteria: Invitae Variant Classification Sherloc (09022015). Collection method: clinical testing. Allele origin: germline.
Comment: This variant is present in population databases (rs746051519, ExAC 0.01%). In summary, the available evidence is currently insufficient to determine the role of this variant in disease. Therefore, it has been classified as a Variant of Uncertain Significance. Algorithms developed to predict the effect of missense changes on protein structure and function are either unavailable or do not agree on the potential impact of this missense change (SIFT: "Not Available"; PolyPhen-2: "Benign"; Align-GVGD: "Not Available"). This variant has not been reported in the literature in individuals affected with ADAMTS18-related conditions. This sequence change replaces arginine with lysine at codon 1095 of the ADAMTS18 protein (p.Arg1095Lys). The arginine residue is highly conserved and there is a small physicochemical difference between arginine and lysine.

NM_199355.4(ADAMTS18):c.3284G>A (p.Arg1095Lys)

Gene: ADAMTS18 (ADAM metallopeptidase with thrombospondin type 1 motif 18; minus strand). Cytogenetic location: 16q23.1.
Variant type: single nucleotide variant.
Coding change: c.3284G>A on transcript NM_199355.4 (MANE Select); coding-DNA position 3284, G replaced by A.
Protein change: p.Arg1095Lys; replaces arginine 1095 with lysine.
Molecular consequence: missense variant.
Genome position (GRCh38, 1-based): chr16:77,291,384, C>T on the plus strand (G>A on the coding strand, the complement: ADAMTS18 is on the minus strand). VCF-style: chr16-77291384-C-T. GRCh37 (hg19) VCF-style: chr16-77325281-C-T.
Other names: c.2768G>A, p.Arg923Lys (NM_001326358.2); short protein forms R923K, R1095K.
Identifiers: ClinVar variation 1516064 (VCV001516064.6), dbSNP rs746051519, ClinGen allele CA8180515.